The following is an entry in ClinVar:

ClinVar aggregate classification (germline): Uncertain significance. Review status: criteria provided, multiple submitters, no conflicts (2 of 4 stars). 2 submissions from 2 submitters: Uncertain significance (2). Last evaluated 2025-02-02.

Conditions:
Cardiovascular phenotype. Identifiers: MedGen CN230736.
Dilated cardiomyopathy 1J (CMD1J). Also called: CARDIOMYOPATHY, DILATED, WITH SENSORINEURAL HEARING LOSS, AUTOSOMAL DOMINANT. Identifiers: Orphanet 217622, MedGen C1854368, MONDO:0011541, OMIM 605362.

Allele frequency attached by ClinVar (database versions not stated): gnomAD exomes below 0.00001; TOPMed 0.00002.

Submissions (2):

Labcorp Genetics (formerly Invitae), Labcorp
Classification: Uncertain significance for Dilated cardiomyopathy 1J. Last evaluated: 2025-02-02. Review status: criteria provided, single submitter. Criteria: Invitae Variant Classification Sherloc (09022015). Collection method: clinical testing. Allele origin: germline.
Comment: This sequence change replaces tyrosine, which is neutral and polar, with cysteine, which is neutral and slightly polar, at codon 270 of the EYA4 protein (p.Tyr270Cys). This variant is present in population databases (no rsID available, gnomAD 0.003%). This variant has not been reported in the literature in individuals affected with EYA4-related conditions. ClinVar contains an entry for this variant (Variation ID: 1366126). Invitae Evidence Modeling of protein sequence and biophysical properties (such as structural, functional, and spatial information, amino acid conservation, physicochemical variation, residue mobility, and thermodynamic stability) indicates that this missense variant is not expected to disrupt EYA4 protein function with a negative predictive value of 80%. In summary, the available evidence is currently insufficient to determine the role of this variant in disease. Therefore, it has been classified as a Variant of Uncertain Significance.

Ambry Genetics
Classification: Uncertain significance for Cardiovascular phenotype. Last evaluated: 2021-07-12. Review status: criteria provided, single submitter. Criteria: Ambry Variant Classification Scheme 2023. Collection method: clinical testing. Allele origin: germline.
Comment: The p.Y270C variant (also known as c.809A>G), located in coding exon 10 of the EYA4 gene, results from an A to G substitution at nucleotide position 809. The tyrosine at codon 270 is replaced by cysteine, an amino acid with highly dissimilar properties. This amino acid position is conserved. In addition, this alteration is predicted to be deleterious by in silico analysis. Since supporting evidence is limited at this time, the clinical significance of this alteration remains unclear.

NM_004100.5(EYA4):c.809A>G (p.Tyr270Cys)

Gene: EYA4 (EYA transcriptional coactivator and phosphatase 4; plus strand). Cytogenetic location: 6q23.2.
Variant type: single nucleotide variant.
Coding change: c.809A>G on transcript NM_004100.5 (MANE Select); coding-DNA position 809, A replaced by G.
Protein change: p.Tyr270Cys; replaces tyrosine 270 with cysteine.
Molecular consequence: missense variant.
Genome position (GRCh38, 1-based): chr6:133,468,570, A>G. VCF-style: chr6-133468570-A-G. GRCh37 (hg19) VCF-style: chr6-133789708-A-G.
Other names: c.647A>G, p.Tyr216Cys (NM_001301012.2, NM_001370459.1); c.809A>G, p.Tyr270Cys (NM_001301013.2, NM_172105.4); c.740A>G, p.Tyr247Cys (NM_001370458.1, NM_172103.4); short protein forms Y216C, Y247C, Y270C.
Identifiers: ClinVar variation 1366126 (VCV001366126.10), dbSNP rs1048564742, ClinGen allele CA148051408.